The following is an entry in ClinVar:

NM_020778.5(ALPK3):c.3446C>T (p.Thr1149Ile)

Gene: ALPK3 (alpha kinase 3; plus strand). Cytogenetic location: 15q25.3.
Variant type: single nucleotide variant.
Coding change: c.3446C>T on transcript NM_020778.5 (MANE Select); coding-DNA position 3446, C replaced by T.
Protein change: p.Thr1149Ile; replaces threonine 1149 with isoleucine.
Molecular consequence: missense variant.
Genome position (GRCh38, 1-based): chr15:84,858,184, C>T. VCF-style: chr15-84858184-C-T. GRCh37 (hg19) VCF-style: chr15-85401415-C-T.
Other names: short protein forms T1149I.
Identifiers: ClinVar variation 3532893 (VCV003532893.2).

ClinVar aggregate classification (germline): Conflicting classifications of pathogenicity. Review status: criteria provided, conflicting classifications (1 of 4 stars). 2 submissions from 2 submitters: Uncertain significance (1); Benign (1). Last evaluated 2024-07-14.

Conditions:
Cardiovascular phenotype. Identifiers: MedGen CN230736.

gnomAD v4.1: 13 of 1,612,178 alleles (0.00081%); highest among the groups gnomAD compares: Non-Finnish European, 0.000085%; no homozygotes.

Submissions (2):

Ambry Genetics
Classification: Uncertain significance for Cardiovascular phenotype. Last evaluated: 2024-07-14. Review status: criteria provided, single submitter. Criteria: Ambry Variant Classification Scheme 2023. Collection method: clinical testing. Allele origin: germline.
Comment: The p.T1351I variant (also known as c.4052C>T), located in coding exon 6 of the ALPK3 gene, results from a C to T substitution at nucleotide position 4052. The threonine at codon 1351 is replaced by isoleucine, an amino acid with similar properties. This amino acid position is conserved. In addition, this alteration is predicted to be tolerated by in silico analysis. Based on the available evidence, the clinical significance of this variant remains unclear.

Blueprint Genetics
Classification: Benign. Last evaluated: 2023-08-15. Review status: criteria provided, single submitter. Criteria: ACMG Guidelines, 2015. Collection method: clinical testing. Allele origin: germline.